The following is an entry in ClinVar:

ClinVar aggregate classification (germline): Pathogenic. Review status: criteria provided, multiple submitters, no conflicts (2 of 4 stars). 8 submissions from 8 submitters: Pathogenic (8). Last evaluated 2025-08-31.

Conditions:
Long QT syndrome (LQTS). Identifiers: MedGen C0023976, MeSH D008133, MONDO:0002442. Disease mechanism: loss of function. Inheritance: Various modes of inheritance.
Long QT syndrome 2 (LQT2). Identifiers: Orphanet 101016, Orphanet 768, MedGen C3150943, MONDO:0013367, OMIM 613688.
Cardiovascular phenotype. Identifiers: MedGen CN230736.
Familial long QT syndrome (RWS). Also called: VENTRICULAR FIBRILLATION WITH PROLONGED QT INTERVAL; Romano-Ward syndrome; Congenital long QT syndrome. Identifiers: Orphanet 768, MedGen C1141890, MONDO:0019171.

Allele frequency attached by ClinVar (database versions not stated): gnomAD exomes below 0.00001; TOPMed below 0.00001; gnomAD 0.00001.
gnomAD v4.1: 3 of 1,561,932 alleles (0.00019%); highest among the groups gnomAD compares: African/African-American, 0.0014%; no homozygotes.

Submissions (8):

Dasa
Classification: Pathogenic. Last evaluated: 2025-08-31. Review status: criteria provided, single submitter. Criteria: DASA Assertion Criteria. Collection method: clinical testing. Allele origin: germline.
Comment: NM_000238.4(KCNH2):c.3040C>T (p.Arg1014*) introduces a premature termination codon predicted to result in loss of normal protein function. Loss-of-function is an established mechanism of disease for this gene. This variant has been recurrently observed in individuals with related phenotype (PMID: 10973849; PMID: 14642687; PMID: 32383558; PMID: 17576861; PMID: 35911527). The variant is present at low frequency in population datasets. Based on the available data, this variant is classified as pathogenic.

Labcorp Genetics (formerly Invitae), Labcorp
Classification: Pathogenic for Long QT syndrome. Last evaluated: 2025-08-05. Review status: criteria provided, single submitter. Criteria: Invitae Variant Classification Sherloc (09022015). Collection method: clinical testing. Allele origin: germline.
Comment: This sequence change creates a premature translational stop signal (p.Arg1014*) in the KCNH2 gene. It is expected to result in an absent or disrupted protein product. Loss-of-function variants in KCNH2 are known to be pathogenic (PMID: 10973849, 19862833). This variant is not present in population databases (gnomAD no frequency). This premature translational stop signal has been observed in individual(s) with severe and mild long QT syndrome (PMID: 10973849, 14642687). ClinVar contains an entry for this variant (Variation ID: 200518). For these reasons, this variant has been classified as Pathogenic.

GeneDx
Classification: Pathogenic. Last evaluated: 2025-04-17. Review status: criteria provided, single submitter. Criteria: GeneDx Variant Classification Process June 2021. Collection method: clinical testing. Allele origin: germline. Affected: yes.
Comment: Nonsense variant predicted to result in protein truncation in a gene for which loss of function is a known mechanism of disease; Functional studies demonstrate a reduction in cell surface expression, current amplitude, and a corresponding positive shift in the V1/2 of the activation curve and Co-IP and FRET assays showed that a truncated protein is produced suggesting that this variant has a dominant-negative effect (PMID: 26775140, 19324319); Reported in association with LQTS in published literature (PMID: 10973849, 15572053, 15840476); Not observed at significant frequency in large population cohorts (gnomAD); This variant is associated with the following publications: (PMID: 18675227, 15958262, 21419236, 15840476, 19716085, 14642687, 17576861, 31737537, 30847666, 34319147, 36861347, 36243179, 19324319, 15572053, 26775140, 10973849)

Ambry Genetics
Classification: Pathogenic for Cardiovascular phenotype. Last evaluated: 2024-08-10. Review status: criteria provided, single submitter. Criteria: Ambry Variant Classification Scheme 2023. Collection method: clinical testing. Allele origin: germline.
Comment: The p.R1014* pathogenic mutation (also known as c.3040C>T), located in coding exon 13 of the KCNH2 gene, results from a C to T substitution at nucleotide position 3040. This changes the amino acid from an arginine to a stop codon within coding exon 13. This variant has been detected individuals and cohorts with features consistent with long QT syndrome (Splawski I et al. Circulation, 2000 Sep;102:1178-85; Kapplinger JD et al. Heart Rhythm, 2009 Sep;6:1297-303; Etheridge SP et al. J Am Coll Cardiol, 2003 Nov;42:1777-82; van Lint FHM et al. Neth Heart J, 2019 Jun;27:304-309). In assays testing KCNH2 function, this variant showed a functionally abnormal result (Gong Q et al. J Mol Cell Cardiol, 2004 Dec;37:1225-33). In addition to the clinical data presented in the literature, this alteration is expected to result in loss of function by premature protein truncation or nonsense-mediated mRNA decay. As such, this alteration is interpreted as a disease-causing mutation.

Laboratory for Molecular Medicine, Mass General Brigham Personalized Medicine
Classification: Pathogenic for Familial long QT syndrome. Last evaluated: 2023-07-19. Review status: criteria provided, single submitter. Criteria: ACMG Guidelines, 2015. Collection method: clinical testing. Allele origin: germline. Inheritance: Autosomal dominant inheritance.
Comment: The p.Arg1014X variant in KCNH2 has been reported in at least 3 individuals with long QT syndrome (LQTS; Splawski 2000 PMID: 10973849, Lieve 2013 PMID: 23631430, Westphal 2020 PMID: 32383558). It has also been reported by other clinical laboratories in ClinVar (Variation ID 200518) and was identified in 0.002% (1/41444) of African chromosomes by gnomAD (v.3.1.2). This nonsense variant leads to a premature termination codon at position 1014, which is predicted to lead to a truncated or absent protein. This is corroborated by in vitro mRNA studies that show that this variant leads to a reduction of mRNA transcripts (Gong 2007 PMID: 17576861). Heterozygous loss of function of the KCNH2 gene is an established disease mechanism in autosomal dominant long QT syndrome. In summary, this variant meets criteria to be classified as pathogenic for autosomal dominant long QT syndrome. ACMG/AMP Criteria applied: PVS1, PM2_Supporting, PS4_Supporting.

Women's Health and Genetics/Laboratory Corporation of America, LabCorp
Classification: Pathogenic for Long QT syndrome. Last evaluated: 2022-09-12. Review status: criteria provided, single submitter. Criteria: LabCorp Variant Classification Summary - May 2015. Collection method: clinical testing. Allele origin: germline.
Comment: Variant summary: KCNH2 c.3040C>T (p.Arg1014X) results in a premature termination codon, predicted to cause a truncation of the encoded protein or absence of the protein due to nonsense mediated decay, which are commonly known mechanisms for disease. The variant was absent in 165078 control chromosomes. c.3040C>T has been reported in the literature in multiple individuals affected with Long QT Syndrome (example Splawski_2000, Lieve_2013, Westphal _2020). These data indicate that the variant is likely to be associated with disease. Experimental evidence evaluating an impact on protein function demonstrated the variant causes HERG channel dysfunction by defective trafficking of the mutant protein (Gong_2004). Three clinical diagnostic laboratories have submitted clinical-significance assessments for this variant to ClinVar after 2014 and classified the variant as pathogenic. Based on the evidence outlined above, the variant was classified as pathogenic.

Victorian Clinical Genetics Services, Murdoch Childrens Research Institute
Classification: Pathogenic for Long QT syndrome 2. Last evaluated: 2022-02-02. Review status: criteria provided, single submitter. Criteria: ACMG Guidelines, 2015. Collection method: clinical testing. Allele origin: germline. Inheritance: Autosomal dominant inheritance. Affected: yes.
Comment: Based on the classification scheme VCGS_Germline_v1.3.4, this variant is classified as Pathogenic. Following criteria are met: 0103 - Dominant negative and loss of function are known mechanisms of disease in this gene and are associated with Long QT syndrome 2 (LQTS; MIM#613688). Gain of function is also a known mechanism associated with Short QT syndrome 1 (MIM#609620) (OMIM, PMID: 10753933; PMID: 21777565). (I) 0107 - This gene is associated with autosomal dominant disease. (I) 0112 - The condition associated with this gene has incomplete penetrance (PMID: 20301308). (I) 0201 - Variant is predicted to cause nonsense-mediated decay (NMD) and loss of protein (premature termination codon is located at least 54 nucleotides upstream of the final exon-exon junction). (SP) 0251 - This variant is heterozygous. (I) 0302 - Variant is present in gnomAD (v3) <0.001 for a dominant condition (1 heterozygote, 0 homozygotes). (SP) 0701 - Other NMD predicted variants comparable to the one identified in this case have very strong previous evidence for pathogenicity. Many other variants predicted to cause NMD have been reported as pathogenic in ClinVar. (SP) 0801 - This variant has strong previous evidence of pathogenicity in unrelated individuals. This variant has been reported in multiple individuals with LQTS (ClinVar, PMID: 10973849, PMID: 30847666). (SP) 1208 - Inheritance information for this variant is not currently available in this individual. (I) Legend: (SP) - Supporting pathogenic, (I) - Information, (SB) - Supporting benign

Stanford Center for Inherited Cardiovascular Disease, Stanford University
Classification: Pathogenic. Last evaluated: 2011-03-24. Review status: criteria provided, single submitter. Criteria: ACMG Guidelines, 2015. Collection method: provider interpretation. Allele origin: germline.

Literature cited by the submitters: PubMed 10973849 (cited by 6 submitters); PubMed 14642687 (cited by 3 submitters); PubMed 32383558 (cited by 3 submitters); PubMed 17576861 (cited by Dasa and Laboratory for Molecular Medicine, Mass General Brigham Personalized Medicine); PubMed 35911527 (cited by Dasa); PubMed 19862833 (cited by Labcorp Genetics (formerly Invitae), Labcorp); PubMed 15572053 (cited by Ambry Genetics and Women's Health and Genetics/Laboratory Corporation of America, LabCorp); PubMed 19716085 (cited by Ambry Genetics); PubMed 30847666 (cited by Ambry Genetics and Victorian Clinical Genetics Services, Murdoch Childrens Research Institute); PubMed 23631430 (cited by Laboratory for Molecular Medicine, Mass General Brigham Personalized Medicine and Women's Health and Genetics/Laboratory Corporation of America, LabCorp); PubMed 10753933 (cited by Victorian Clinical Genetics Services, Murdoch Childrens Research Institute); PubMed 20301308 (cited by Victorian Clinical Genetics Services, Murdoch Childrens Research Institute); PubMed 21777565 (cited by Victorian Clinical Genetics Services, Murdoch Childrens Research Institute).

NM_000238.4(KCNH2):c.3040C>T (p.Arg1014Ter)

Gene: KCNH2 (potassium voltage-gated channel subfamily H member 2; minus strand). Cytogenetic location: 7q36.1.
Variant type: single nucleotide variant.
Coding change: c.3040C>T on transcript NM_000238.4 (MANE Select); coding-DNA position 3040, C replaced by T.
Protein change: p.Arg1014Ter; replaces arginine 1014 with a stop codon.
Molecular consequence: nonsense.
Genome position (GRCh38, 1-based): chr7:150,947,440, G>A on the plus strand (C>T on the coding strand, the complement: KCNH2 is on the minus strand). VCF-style: chr7-150947440-G-A. GRCh37 (hg19) VCF-style: chr7-150644528-G-A.
Other names: p.R1014*:CGA>TGA; c.2020C>T, p.Arg674Ter (NM_172057.3); short protein forms R1014*, R674*.
Identifiers: ClinVar variation 200518 (VCV000200518.20), dbSNP rs794728403, ClinGen allele CA007849.